The following is an entry in ClinVar:

NM_001690.4(ATP6V1A):c.1822A>T (p.Met608Leu)

Gene: ATP6V1A (ATPase H+ transporting V1 subunit A; plus strand). Cytogenetic location: 3q13.31.
Variant type: single nucleotide variant.
Coding change: c.1822A>T on transcript NM_001690.4 (MANE Select); coding-DNA position 1822, A replaced by T.
Protein change: p.Met608Leu; replaces methionine 608 with leucine.
Molecular consequence: missense variant.
Genome position (GRCh38, 1-based): chr3:113,809,395, A>T. VCF-style: chr3-113809395-A-T. GRCh37 (hg19) VCF-style: chr3-113528242-A-T.
Other names: short protein forms M608L.
Identifiers: ClinVar variation 2029903 (VCV002029903.4), dbSNP rs770874212, ClinGen allele CA2548172.
Genomic context (GRCh38, chr3:113,809,395, plus strand): 5'-GATCCACTGAAAGATGGTGAGGCAAAGATCAAAAGCGACTATGCACAACTTCTTGAAGAC[A>T]TGCAGAATGCATTCCGTAGCCTTGAAGATTAGAAGCCTTGAAGATTACAACTGTGATTTC-3'
Protein context (NP_001681.2, residues 598-617): KSDYAQLLED[Met608Leu]QNAFRSLED

ClinVar aggregate classification (germline): Uncertain significance (1 of 4 stars; one submission).

Allele frequency attached by ClinVar (database versions not stated): ExAC 0.00001.
gnomAD v4.1: 1 of 1,613,930 alleles (0.000062%); no homozygotes.

Submission:

Labcorp Genetics (formerly Invitae), Labcorp
Classification: Uncertain significance. Last evaluated: 2021-12-03. Review status: criteria provided, single submitter. Criteria: Invitae Variant Classification Sherloc (09022015). Collection method: clinical testing. Allele origin: germline.
Comment: This variant is present in population databases (rs770874212, gnomAD 0.0009%). In summary, the available evidence is currently insufficient to determine the role of this variant in disease. Therefore, it has been classified as a Variant of Uncertain Significance. Algorithms developed to predict the effect of missense changes on protein structure and function (SIFT, PolyPhen-2, Align-GVGD) all suggest that this variant is likely to be tolerated. This variant has not been reported in the literature in individuals affected with ATP6V1A-related conditions. This sequence change replaces methionine, which is neutral and non-polar, with leucine, which is neutral and non-polar, at codon 608 of the ATP6V1A protein (p.Met608Leu).